The following is an entry in ClinVar:

NM_000218.3(KCNQ1):c.1514+37694C>T

Genes: KCNQ1 (potassium voltage-gated channel subfamily Q member 1; plus strand), KCNQ1OT1 (KCNQ1 opposite strand/antisense transcript 1; minus strand). Cytogenetic location: 11p15.5.
Variant type: single nucleotide variant.
Coding change: c.1514+37694C>T on transcript NM_000218.3 (MANE Select); 37694 bases into the intron after coding-DNA position 1514, C replaced by T.
Molecular consequence: intron variant. On other transcripts: non-coding transcript variant (1).
Genome position (GRCh38, 1-based): chr11:2,699,775, C>T. VCF-style: chr11-2699775-C-T. GRCh37 (hg19) VCF-style: chr11-2721005-C-T.
Other names: c.1244+37694C>T (NM_001406837.1); c.1418+37694C>T (NM_001406836.1); c.974+37694C>T (NM_001406838.1); c.1133+37694C>T (NM_181798.2).
Identifiers: ClinVar variation 4822331 (VCV004822331.4).

ClinVar aggregate classification (germline): Likely benign (1 of 4 stars; one submission).

gnomAD v4.1: 65 of 397,822 alleles (0.016%); highest among the groups gnomAD compares: Middle Eastern, 0.31%; no homozygotes.

Submission:

CeGaT Center for Human Genetics Tuebingen
Classification: Likely benign. Last evaluated: 2026-02-01. Review status: criteria provided, single submitter. Criteria: CeGaT Center For Human Genetics Tuebingen Variant Classification Criteria Version 2. Collection method: clinical testing. Allele origin: germline. Affected: yes. Observed: 2 variant alleles.
Comment: KCNQ1OT1: BS2